The following is an entry in ClinVar:

NM_000218.3(KCNQ1):c.1393+23631G>C

Genes: KCNQ1 (potassium voltage-gated channel subfamily Q member 1; plus strand), KCNQ1OT1 (KCNQ1 opposite strand/antisense transcript 1; minus strand). Cytogenetic location: 11p15.5.
Variant type: single nucleotide variant.
Coding change: c.1393+23631G>C on transcript NM_000218.3 (MANE Select); 23631 bases into the intron after coding-DNA position 1393, G replaced by C.
Molecular consequence: intron variant. On other transcripts: non-coding transcript variant (1).
Genome position (GRCh38, 1-based): chr11:2,612,485, G>C. VCF-style: chr11-2612485-G-C. GRCh37 (hg19) VCF-style: chr11-2633715-G-C.
Other names: c.1123+23631G>C (NM_001406837.1); c.1297+23631G>C (NM_001406836.1); c.853+23631G>C (NM_001406838.1); c.1012+23631G>C (NM_181798.2).
Identifiers: ClinVar variation 3059785 (VCV003059785.2), dbSNP rs7942590, ClinGen allele CA13370369.

ClinVar aggregate classification (germline): Benign (0 of 4 stars; one submission).

Conditions:
KCNQ1-related disorder. Also called: KCNQ1-related condition; KCNQ1-related disorders. Identifiers: MedGen CN239322.

Allele frequency attached by ClinVar (database versions not stated): gnomAD exomes 0.58028; gnomAD 0.61248; TOPMed 0.61469; 1000 Genomes Project 30x 0.68676; 1000 Genomes Project 0.69529.
gnomAD v4.1: 235,956 of 398,354 alleles (59%); highest among the groups gnomAD compares: East Asian, 80%; 71,503 homozygotes.

Submission:

PreventionGenetics, part of Exact Sciences
Classification: Benign for KCNQ1-related condition. Last evaluated: 2019-10-28. Review status: no assertion criteria provided. Collection method: clinical testing. Allele origin: germline.
Comment: This variant is classified as benign based on ACMG/AMP sequence variant interpretation guidelines (Richards et al. 2015 PMID: 25741868, with internal and published modifications).